The following is an entry in ClinVar:

NM_000283.4(PDE6B):c.343C>G (p.Pro115Ala)

Gene: PDE6B (phosphodiesterase 6B; plus strand). Cytogenetic location: 4p16.3.
Variant type: single nucleotide variant.
Coding change: c.343C>G on transcript NM_000283.4 (MANE Select); coding-DNA position 343, C replaced by G.
Protein change: p.Pro115Ala; replaces proline 115 with alanine.
Molecular consequence: missense variant.
Genome position (GRCh38, 1-based): chr4:625,969, C>G. VCF-style: chr4-625969-C-G. GRCh37 (hg19) VCF-style: chr4-619758-C-G.
Other names: c.343C>G, p.Pro115Ala (NM_001145291.2); short protein forms P115A.
Identifiers: ClinVar variation 730671 (VCV000730671.14), dbSNP rs147382017, ClinGen allele CA2793913.

ClinVar aggregate classification (germline): Benign/Likely benign. Review status: criteria provided, multiple submitters, no conflicts (2 of 4 stars). 4 submissions from 4 submitters: Benign (3); Likely benign (1). Last evaluated 2026-08-11.

Conditions:
PDE6B-related disorder. Also called: PDE6B-related disorders; PDE6B-related disease; PDE6B-related condition.

Allele frequency attached by ClinVar (database versions not stated): gnomAD exomes 0.00022 and 0.00047; ExAC 0.00090; ESP Exome Variant Server 0.00139; gnomAD 0.00229 and 0.00240; TOPMed 0.00236; 1000 Genomes Project 0.00379; 1000 Genomes Project 30x 0.00406.

Submissions (4):

PreventionGenetics, part of Exact Sciences
Classification: Benign for PDE6B-related condition. Last evaluated: 2026-08-11. Review status: criteria provided, single submitter. Criteria: ACMG Guidelines, 2015. Collection method: clinical testing. Allele origin: germline.
Comment: This variant is classified as benign based on ACMG/AMP sequence variant interpretation guidelines (Richards et al. 2015 PMID: 25741868, with internal and published modifications).

Labcorp Genetics (formerly Invitae), Labcorp
Classification: Benign. Last evaluated: 2026-01-27. Review status: criteria provided, single submitter. Criteria: Invitae Variant Classification Sherloc (09022015). Collection method: clinical testing. Allele origin: germline.

Blueprint Genetics
Classification: Likely benign. Last evaluated: 2024-10-07. Review status: criteria provided, single submitter. Criteria: ACMG Guidelines, 2015. Collection method: clinical testing. Allele origin: germline.

Breakthrough Genomics
Classification: Benign. Review status: criteria provided, single submitter. Criteria: ACMG Guidelines, 2015. Collection method: not provided. Allele origin: germline. Inheritance: Autosomal recessive inheritance. Affected: yes.